The following is an entry in ClinVar:

NM_024809.5(TCTN2):c.731C>T (p.Thr244Ile)

Gene: TCTN2 (tectonic family member 2; plus strand). Cytogenetic location: 12q24.31.
Variant type: single nucleotide variant.
Coding change: c.731C>T on transcript NM_024809.5 (MANE Select); coding-DNA position 731, C replaced by T.
Protein change: p.Thr244Ile; replaces threonine 244 with isoleucine.
Molecular consequence: missense variant.
Genome position (GRCh38, 1-based): chr12:123,687,002, C>T. VCF-style: chr12-123687002-C-T. GRCh37 (hg19) VCF-style: chr12-124171549-C-T.
Other names: c.728C>T, p.Thr243Ile (NM_001143850.3); c.731C>T (NM_024809.3); short protein forms T244I, T243I.
Identifiers: ClinVar variation 241576 (VCV000241576.7), dbSNP rs760376471, ClinGen allele CA6860974.
Genomic context (GRCh38, chr12:123,687,002, plus strand): 5'-CGACACGTGGTGTCCCCGATTGGTTTCCCTTTCTGTGTGTGCAGTCCCCCCTTGCCAACA[C>T]ACCCTTCCTTGGTTACTTCTATCATGGTGCTGTGTAAGTGTCTGAGCAGCCGCCTGGGAT-3'
Protein context (NP_079085.2, residues 234-254): FLCVQSPLAN[Thr244Ile]PFLGYFYHGA

ClinVar aggregate classification (germline): Uncertain significance. Review status: criteria provided, multiple submitters, no conflicts (2 of 4 stars). 2 submissions from 2 submitters: Uncertain significance (2). Last evaluated 2025-08-27.

Conditions:
Inborn genetic diseases. Identifiers: MedGen C0950123, MeSH D030342.
Meckel-Gruber syndrome. Also called: Dysencephalia splachnocystica; DYSENCEPHALIA SPLANCHNOCYSTICA; GRUBER SYNDROME. Identifiers: Orphanet 564, MedGen C0265215, MONDO:0018921.
Joubert syndrome. Also called: CEREBELLOPARENCHYMAL DISORDER IV; JOUBERT-BOLTSHAUSER SYNDROME; Familial aplasia of the vermis. Identifiers: Orphanet 475, MedGen C5979921, MONDO:0018772.

Allele frequency attached by ClinVar (database versions not stated): TOPMed below 0.00001; ExAC 0.00001; gnomAD 0.00001; gnomAD exomes 0.00001 and 0.00002.
gnomAD v4.1: 24 of 1,614,086 alleles (0.0015%); highest among the groups gnomAD compares: Non-Finnish European, 0.0018%; no homozygotes.

Submissions (2):

Ambry Genetics
Classification: Uncertain significance for Inborn genetic diseases. Last evaluated: 2025-08-27. Review status: criteria provided, single submitter. Criteria: Ambry Variant Classification Scheme 2023. Collection method: clinical testing. Allele origin: germline.

Labcorp Genetics (formerly Invitae), Labcorp
Classification: Uncertain significance for Joubert syndrome; Meckel-Gruber syndrome. Last evaluated: 2021-08-28. Review status: criteria provided, single submitter. Criteria: Invitae Variant Classification Sherloc (09022015). Collection method: clinical testing. Allele origin: germline.
Comment: This sequence change replaces threonine with isoleucine at codon 244 of the TCTN2 protein (p.Thr244Ile). The threonine residue is weakly conserved and there is a moderate physicochemical difference between threonine and isoleucine. This variant is present in population databases (rs760376471, ExAC 0.001%). This variant has not been reported in the literature in individuals affected with TCTN2-related conditions. Algorithms developed to predict the effect of missense changes on protein structure and function are either unavailable or do not agree on the potential impact of this missense change (SIFT: "Deleterious"; PolyPhen-2: "Possibly Damaging"; Align-GVGD: "Class C0"). In summary, the available evidence is currently insufficient to determine the role of this variant in disease. Therefore, it has been classified as a Variant of Uncertain Significance.